The following is an entry in ClinVar:

ClinVar aggregate classification (germline): Uncertain significance. Review status: criteria provided, multiple submitters, no conflicts (2 of 4 stars). 3 submissions from 3 submitters: Uncertain significance (3). Last evaluated 2024-11-21.

Conditions:
Familial adenomatous polyposis 1 (FAP1). Also called: FAMILIAL ADENOMATOUS POLYPOSIS 1, ATTENUATED; POLYPOSIS, ADENOMATOUS INTESTINAL. Identifiers: MedGen C2713442, MONDO:0021056, OMIM 175100. Disease mechanism: loss of function.
Hereditary cancer-predisposing syndrome. Also called: Neoplastic Syndromes, Hereditary; Tumor predisposition; Hereditary Cancer Syndrome; Hereditary neoplastic syndrome. Identifiers: Orphanet 140162, MedGen C0027672, MeSH D009386, MONDO:0015356.

gnomAD v4.1: 1 of 1,613,980 alleles (0.000062%); no homozygotes.

Submissions (3):

Ambry Genetics
Classification: Uncertain significance for Hereditary cancer-predisposing syndrome. Last evaluated: 2024-11-21. Review status: criteria provided, single submitter. Criteria: Ambry Variant Classification Scheme 2023. Collection method: clinical testing. Allele origin: germline.
Comment: The p.A1700V variant (also known as c.5099C>T), located in coding exon 15 of the APC gene, results from a C to T substitution at nucleotide position 5099. The alanine at codon 1700 is replaced by valine, an amino acid with similar properties. This amino acid position is not well conserved in available vertebrate species. Missense alterations in APC are not a common cause of disease (Spier I et al. Genet Med. 2024 Feb;26(2):100992). In addition, in silico predictors for this gene do not accurately predict pathogenicity. Based on the available evidence, the clinical significance of this variant remains unclear.

Labcorp Genetics (formerly Invitae), Labcorp
Classification: Uncertain significance for Familial adenomatous polyposis 1. Last evaluated: 2024-03-15. Review status: criteria provided, single submitter. Criteria: Invitae Variant Classification Sherloc (09022015). Collection method: clinical testing. Allele origin: germline.
Comment: This sequence change replaces alanine, which is neutral and non-polar, with valine, which is neutral and non-polar, at codon 1700 of the APC protein (p.Ala1700Val). This variant is not present in population databases (gnomAD no frequency). This variant has not been reported in the literature in individuals affected with APC-related conditions. ClinVar contains an entry for this variant (Variation ID: 234162). Advanced modeling of protein sequence and biophysical properties (such as structural, functional, and spatial information, amino acid conservation, physicochemical variation, residue mobility, and thermodynamic stability) performed at Invitae indicates that this missense variant is not expected to disrupt APC protein function with a negative predictive value of 95%. In summary, the available evidence is currently insufficient to determine the role of this variant in disease. Therefore, it has been classified as a Variant of Uncertain Significance.

Baylor Genetics
Classification: Uncertain significance for Familial adenomatous polyposis 1. Last evaluated: 2023-05-05. Review status: criteria provided, single submitter. Criteria: ACMG Guidelines, 2015. Collection method: clinical testing. Allele origin: unknown.

NM_000038.6(APC):c.5099C>T (p.Ala1700Val)

Gene: APC (APC regulator of Wnt signaling pathway; plus strand). Cytogenetic location: 5q22.2.
Variant type: single nucleotide variant.
Coding change: c.5099C>T on transcript NM_000038.6 (MANE Select); coding-DNA position 5099, C replaced by T.
Protein change: p.Ala1700Val; replaces alanine 1700 with valine.
Molecular consequence: missense variant.
Genome position (GRCh38, 1-based): chr5:112,840,693, C>T. VCF-style: chr5-112840693-C-T. GRCh37 (hg19) VCF-style: chr5-112176390-C-T.
Other names: c.5099C>T, p.Ala1700Val (NM_001127510.3, NM_001354895.2); c.5045C>T, p.Ala1682Val (NM_001127511.3); c.5153C>T, p.Ala1718Val (NM_001354896.2); c.5129C>T, p.Ala1710Val (NM_001354897.2); c.5024C>T, p.Ala1675Val (NM_001354898.2); c.5015C>T, p.Ala1672Val (NM_001354899.2); c.4976C>T, p.Ala1659Val (NM_001354900.2); c.4922C>T, p.Ala1641Val (NM_001354901.2); and 5 more; short protein forms A1682V, A1700V, A1574V, A1710V, A1599V, A1641V, A1659V, A1672V.
Identifiers: ClinVar variation 234162 (VCV000234162.9), dbSNP rs876660893, ClinGen allele CA10578393.